The following is an entry in ClinVar:

ClinVar aggregate classification (germline): Likely pathogenic (0 of 4 stars; one submission).

Conditions:
Maturity-onset diabetes of the young type 1. Also called: MILD JUVENILE DIABETES MELLITUS; MODY type 1; Diabetes mellitus MODY type 1; MODY HNF4A related; HNF4A-Related Maturity-Onset Diabetes of the Young Type 1; MODY, type I. Identifiers: Orphanet 552, MedGen C1852093, MONDO:0007452, OMIM 125850. Disease mechanism: loss of function.

Submission:

CGC Genetics, Unilabs
Classification: Likely pathogenic for Maturity-onset diabetes of the young type 1. Last evaluated: 2024-11-19. Review status: no assertion criteria provided. Collection method: clinical testing. Allele origin: unknown. Inheritance: Autosomal dominant inheritance. Affected: yes.
Comment: It is not reported gnomAD v4. It is a frameshift variant that introduces a premature stop codon, which in turn is expected to lead to the creation of a truncated protein and/or a reduction in its expression due to mRNA degradation. With the information currently available, this should be classified as a likely pathogenic variant with the following ACMG codes: PVS1; PM2_supporting.

Literature cited by the submitters: PubMed 31968686.

NM_175914.5(HNF4A):c.68del (p.Gly23fs)

Gene: HNF4A (hepatocyte nuclear factor 4 alpha; plus strand). Cytogenetic location: 20q13.12.
Variant type: Deletion.
Coding change: c.68del on transcript NM_175914.5 (MANE Select); coding-DNA position 68, one base deleted (G; older notation c.68delG).
Protein change: p.Gly23fs; shifts the reading frame from glycine 23.
Molecular consequence: frameshift variant.
Genome position (GRCh38, 1-based): chr20:44,406,076, G deleted; the last of 2 consecutive G bases (chr20:44,406,075-44,406,076); deleting either gives the same sequence. VCF-style (leftmost placement, unchanged base first): chr20-44406074-AG-A. GRCh37 (hg19) VCF-style: chr20-43034714-AG-A.
Other names: c.134del, p.Gly45fs (NM_000457.6, NM_178849.3, NM_178850.3); c.68del, p.Gly23fs (NM_001030003.3, NM_001030004.3); c.113del, p.Gly38fs (NM_001258355.2); c.59del, p.Gly20fs (NM_001287182.2, NM_001287183.2, NM_001287184.2); short protein forms G20fs, G23fs, G38fs, G45fs.
Identifiers: ClinVar variation 3381208 (VCV003381208.1).